The following is an entry in ClinVar:

NM_016734.3(PAX5):c.66G>C (p.Gln22His)

Gene: PAX5 (paired box 5; minus strand). Cytogenetic location: 9p13.2.
Variant type: single nucleotide variant.
Coding change: c.66G>C on transcript NM_016734.3 (MANE Select); coding-DNA position 66, G replaced by C.
Protein change: p.Gln22His; replaces glutamine 22 with histidine.
Molecular consequence: missense variant. On other transcripts: non-coding transcript variant (2), intron variant (2).
Genome position (GRCh38, 1-based): chr9:37,020,782, C>G on the plus strand (G>C on the coding strand, the complement: PAX5 is on the minus strand). VCF-style: chr9-37020782-C-G. GRCh37 (hg19) VCF-style: chr9-37020779-C-G.
Other names: c.66G>C, p.Gln22His (NM_001280547.2, NM_001280548.2, NM_001280549.2 and 5 more transcripts); c.-112-5588G>C (NM_001280551.2, NM_001280556.2); short protein forms Q22H.
Identifiers: ClinVar variation 3928344 (VCV003928344.1).
Genomic context (GRCh38, chr9:37,020,782, plus strand): 5'-CACTATCCTCTGGCGGACTACATCCGGGAGTGGCCGTCCATTCACAAAAACCCCCCCAAG[C>G]TGATTCACTCCTCCATGTCCTGAAACAGATCAGAAACAAAAGGAAAGGGAAAGGGTAGTT-3'
Protein context (NP_057953.1, residues 12-32): TSRTGHGGVN[Gln22His]LGGVFVNGRP

ClinVar aggregate classification (germline): Uncertain significance (1 of 4 stars; one submission).

Conditions:
Inborn genetic diseases. Identifiers: MedGen C0950123, MeSH D030342.

Submission:

Ambry Genetics
Classification: Uncertain significance for Inborn genetic diseases. Last evaluated: 2025-05-25. Review status: criteria provided, single submitter. Criteria: Ambry Variant Classification Scheme 2023. Collection method: clinical testing. Allele origin: germline.
Comment: The p.Q22H variant (also known as c.66G>C), located in coding exon 2 of the PAX5 gene, results from a G to C substitution at nucleotide position 66. The glutamine at codon 22 is replaced by histidine, an amino acid with highly similar properties. This amino acid position is conserved. In addition, this alteration is predicted to be deleterious by in silico analysis. Based on the available evidence, the clinical significance of this variant remains unclear.